The following is an entry in ClinVar:

ClinVar aggregate classification (germline): Benign/Likely benign. Review status: criteria provided, multiple submitters, no conflicts (2 of 4 stars). 3 submissions from 3 submitters: Benign (1); Likely benign (1). 1 of the submissions does not count toward it. Last evaluated 2026-01-28.

Conditions:
EYS-related disorder. Also called: EYS-related condition.

Allele frequency attached by ClinVar (database versions not stated): gnomAD 0.00001 and 0.00012; TOPMed 0.00005; gnomAD exomes 0.00027 and 0.00072; 1000 Genomes Project 30x 0.00094; 1000 Genomes Project 0.00100; ExAC 0.00162.
gnomAD v4.1: 389 of 1,551,544 alleles (0.025%); highest among the groups gnomAD compares: South Asian, 0.44%; 4 homozygotes.

Submissions (3):

Labcorp Genetics (formerly Invitae), Labcorp
Classification: Benign. Last evaluated: 2026-01-28. Review status: criteria provided, single submitter. Criteria: Invitae Variant Classification Sherloc (09022015). Collection method: clinical testing. Allele origin: germline.

Blueprint Genetics
Classification: Likely benign. Last evaluated: 2024-06-28. Review status: criteria provided, single submitter. Criteria: ACMG Guidelines, 2015. Collection method: clinical testing. Allele origin: germline.

PreventionGenetics, part of Exact Sciences
Classification: Likely benign for EYS-related condition. Last evaluated: 2024-09-27. Review status: no assertion criteria provided. Collection method: clinical testing. Allele origin: germline. Not counted in ClinVar's aggregate classification.
Comment: This variant is classified as likely benign based on ACMG/AMP sequence variant interpretation guidelines (Richards et al. 2015 PMID: 25741868, with internal and published modifications).

NM_001142800.2(EYS):c.7558T>C (p.Phe2520Leu)

Gene: EYS (EGF-like photoreceptor maintenance factor; minus strand). Cytogenetic location: 6q12.
Variant type: single nucleotide variant.
Coding change: c.7558T>C on transcript NM_001142800.2 (MANE Select); coding-DNA position 7558, T replaced by C.
Protein change: p.Phe2520Leu; replaces phenylalanine 2520 with leucine.
Molecular consequence: missense variant.
Genome position (GRCh38, 1-based): chr6:63,789,078, A>G on the plus strand (T>C on the coding strand, the complement: EYS is on the minus strand). VCF-style: chr6-63789078-A-G. GRCh37 (hg19) VCF-style: chr6-64498971-A-G.
Other names: c.7558T>C, p.Phe2520Leu (NM_001292009.2); short protein forms F2520L.
Identifiers: ClinVar variation 736381 (VCV000736381.13), dbSNP rs527486914, ClinGen allele CA3876805.